The following is an entry in ClinVar:

NM_015272.5(RPGRIP1L):c.3373G>T (p.Asp1125Tyr)

Gene: RPGRIP1L (RPGRIP1 like; minus strand). Cytogenetic location: 16q12.2.
Variant type: single nucleotide variant.
Coding change: c.3373G>T on transcript NM_015272.5 (MANE Select); coding-DNA position 3373, G replaced by T.
Protein change: p.Asp1125Tyr; replaces aspartic acid 1125 with tyrosine.
Molecular consequence: missense variant. On other transcripts: intron variant (2).
Genome position (GRCh38, 1-based): chr16:53,622,278, C>A on the plus strand (G>T on the coding strand, the complement: RPGRIP1L is on the minus strand). VCF-style: chr16-53622278-C-A. GRCh37 (hg19) VCF-style: chr16-53656190-C-A.
Other names: c.3373G>T (NM_015272.4); c.3271G>T, p.Asp1091Tyr (NM_001330538.2); c.3193-3070G>T (NM_001127897.4); c.3295-3070G>T (NM_001308334.3); short protein forms D1091Y, D1125Y.
Identifiers: ClinVar variation 1336569 (VCV001336569.11), dbSNP rs866468122, ClinGen allele CA281358319.
Genomic context (GRCh38, chr16:53,622,278, plus strand): 5'-CCTGGGTGTGGTGGCAGGCACCTGTAATCCCATCTACTTGGGAGGCTGAGGCAGGAAAAT[C>A]GCTGGAACCCGGGAGGCGGAAGTTGCAGTGAGCTGAGATCGCGCTACTGCACCCCAGCCC-3'
Protein context (NP_056087.2, residues 1115-1135): HCNFRLPGSS[Asp1125Tyr]FPASASQVDG

ClinVar aggregate classification (germline): Uncertain significance. Review status: criteria provided, multiple submitters, no conflicts (2 of 4 stars). 4 submissions from 4 submitters: Uncertain significance (4). Last evaluated 2026-02-17.

Conditions:
Meckel-Gruber syndrome. Also called: DYSENCEPHALIA SPLANCHNOCYSTICA; GRUBER SYNDROME; Dysencephalia splachnocystica. Identifiers: Orphanet 564, MedGen C0265215, MONDO:0018921.
Joubert syndrome. Also called: JOUBERT-BOLTSHAUSER SYNDROME; Familial aplasia of the vermis. Identifiers: Orphanet 475, MedGen C5979921, MONDO:0018772.
Joubert syndrome 7 (JBTS7). Identifiers: Orphanet 220497, MedGen C1969053, MONDO:0012694, OMIM 611560.
COACH syndrome 3. Identifiers: MedGen C5436841, MONDO:0030862, OMIM 619113.
Meckel syndrome, type 5 (MKS5). Identifiers: Orphanet 564, MedGen C1969052, MONDO:0012695, OMIM 611561.
RPGRIP1L-related disorder. Also called: RPGRIP1L-related condition; RPGRIP1L-related disorders. Identifiers: MedGen CN239416.

Allele frequency attached by ClinVar (database versions not stated): gnomAD exomes 0.00002.
gnomAD v4.1: 10 of 643,916 alleles (0.0016%); highest among the groups gnomAD compares: Non-Finnish European, 0.0023%; no homozygotes.

Submissions (4):

PreventionGenetics, part of Exact Sciences
Classification: Uncertain significance for RPGRIP1L-related condition. Last evaluated: 2026-02-17. Review status: criteria provided, single submitter. Criteria: ACMG Guidelines, 2015. Collection method: clinical testing. Allele origin: germline.
Comment: The RPGRIP1L c.3373G>T variant is predicted to result in the amino acid substitution p.Asp1125Tyr. To our knowledge, this variant has not been reported in the literature or in a large population database (gnomAD), indicating this variant is rare. At this time, the clinical significance of this variant is uncertain due to the absence of conclusive functional and genetic evidence.

Fulgent Genetics
Classification: Uncertain significance for Joubert syndrome 7; Meckel syndrome, type 5; COACH syndrome 3. Last evaluated: 2024-01-31. Review status: criteria provided, single submitter. Criteria: ACMG Guidelines, 2015. Collection method: clinical testing. Allele origin: germline.

Labcorp Genetics (formerly Invitae), Labcorp
Classification: Uncertain significance for Joubert syndrome; Meckel-Gruber syndrome. Last evaluated: 2022-03-26. Review status: criteria provided, single submitter. Criteria: Invitae Variant Classification Sherloc (09022015). Collection method: clinical testing. Allele origin: germline.
Comment: This sequence change replaces aspartic acid, which is acidic and polar, with tyrosine, which is neutral and polar, at codon 1125 of the RPGRIP1L protein (p.Asp1125Tyr). This variant is not present in population databases (gnomAD no frequency). This variant has not been reported in the literature in individuals affected with RPGRIP1L-related conditions. Algorithms developed to predict the effect of missense changes on protein structure and function are either unavailable or do not agree on the potential impact of this missense change (SIFT: "Deleterious"; PolyPhen-2: "Benign"; Align-GVGD: "Class C0"). In summary, the available evidence is currently insufficient to determine the role of this variant in disease. Therefore, it has been classified as a Variant of Uncertain Significance.

Genetic Services Laboratory, University of Chicago
Classification: Uncertain significance. Last evaluated: 2018-03-08. Review status: criteria provided, single submitter. Criteria: ACMG Guidelines, 2015. Collection method: clinical testing. Allele origin: germline. Affected: no.